The following is an entry in ClinVar:

NM_001127178.3(PIGG):c.768_769dup (p.Thr257fs)

Gene: PIGG (phosphatidylinositol glycan anchor biosynthesis class G (EMM blood group); plus strand). Cytogenetic location: 4p16.3.
Variant type: Microsatellite.
Coding change: c.768_769dup on transcript NM_001127178.3 (MANE Select); coding-DNA positions 768 to 769, 2 bases duplicated (GA; older notation c.768_769dupGA).
Protein change: p.Thr257fs; shifts the reading frame from threonine 257.
Molecular consequence: frameshift variant. On other transcripts: 5 prime UTR variant (3), non-coding transcript variant (10), intron variant (1).
Genome position (GRCh38, 1-based): chr4:508,837-508,838, GA duplicated; duplicating any 2 consecutive bases within chr4:508,829-508,838 gives the same sequence; the c. name uses the placement nearest the transcript's 3' end. VCF-style (leftmost placement, unchanged base first): chr4-508828-G-GGA. GRCh37 (hg19) VCF-style: chr4-502617-G-GGA.
Other names: c.501_502dup, p.Thr168fs (NM_001289051.2, NM_001289053.2, NM_001289057.2 and 2 more transcripts); c.369_370dup, p.Thr124fs (NM_001289052.2); c.402_403dup, p.Thr135fs (NM_001289055.2); c.768_769dup, p.Thr257fs (NM_001345989.2, NM_017733.5); c.-866GA[6] (NM_001345990.2); c.-728GA[6] (NM_001345991.2); c.-453GA[6] (NM_001345994.2); c.-129+1236GA[6] (NM_001345988.2); short protein forms T124fs, T135fs, T168fs, T257fs.
Identifiers: ClinVar variation 1070244 (VCV001070244.7), dbSNP rs1229339759, ClinGen allele CA549111728.
Genomic context (GRCh38, chr4:508,828, plus strand): 5'-TTAAGATGATGTGCTCTCTTCAGTCTGAACGCAGTTGAAATGTTTTTCCTTTGCCTTAAA[G>GGA]GAGAGAGAGACGCCTTTACCCAATTTGCTGGTTCTTTGTGGTGACCATGGCATGTCTGAA-3'

ClinVar aggregate classification (germline): Pathogenic/Likely pathogenic. Review status: criteria provided, multiple submitters, no conflicts (2 of 4 stars). 2 submissions from 2 submitters: Pathogenic (1); Likely pathogenic (1). Last evaluated 2020-04-14.

Conditions:
Intellectual disability, autosomal recessive 53 (NEDHSCA). Also called: GLYCOSYLPHOSPHATIDYLINOSITOL BIOSYNTHESIS DEFECT 13; Mental retardation, autosomal recessive 53; NEURODEVELOPMENTAL DISORDER WITH OR WITHOUT HYPOTONIA, SEIZURES, AND CEREBELLAR ATROPHY. Identifiers: Orphanet 488635, MedGen C4310794, MONDO:0014832, OMIM 616917.

Submissions (2):

Labcorp Genetics (formerly Invitae), Labcorp
Classification: Pathogenic for Intellectual disability, autosomal recessive 53. Last evaluated: 2020-04-14. Review status: criteria provided, single submitter. Criteria: Invitae Variant Classification Sherloc (09022015). Collection method: clinical testing. Allele origin: germline.
Comment: Loss-of-function variants in PIGG are known to be pathogenic (PMID: 26996948, 28581210, 28771251). For these reasons, this variant has been classified as Pathogenic. This variant has not been reported in the literature in individuals with PIGG-related conditions. This sequence change creates a premature translational stop signal (p.Thr257Argfs*30) in the PIGG gene. It is expected to result in an absent or disrupted protein product. This variant is not present in population databases (ExAC no frequency).

Neuberg Centre For Genomic Medicine, NCGM
Classification: Likely pathogenic for Intellectual disability, autosomal recessive 53. Review status: criteria provided, single submitter. Criteria: ACMG Guidelines, 2015. Collection method: clinical testing. Allele origin: germline. Inheritance: Autosomal recessive inheritance. Affected: yes.
Comment: The frameshift variant c.768_769dup (p.Thr257ArgfsTer30) in PIGG gene has not been reported previously as a pathogenic variant nor as a benign variant, to our knowledge. This variant has been reported to the ClinVar database as Pathogenic. The p.Thr257ArgfsTer30 variant is novel (not in any individuals) in 1000 Genomes and allele frequency of 0.02229% is reported in gnomAD. This variant causes a frameshift starting with codon Threonine 257, changes this amino acid to Arginine residue, and creates a premature Stop codon at position 30 of the new reading frame, denoted p.Thr257ArgfsTer30. This variant is predicted to cause loss of normal protein function. Loss of function variants have been previously reported to be disease causing. For these reasons, this variant has been classified as Likely Pathogenic.

Literature cited by the submitters: PubMed 26996948 (cited by Labcorp Genetics (formerly Invitae), Labcorp); PubMed 28581210 (cited by Labcorp Genetics (formerly Invitae), Labcorp); PubMed 28771251 (cited by Labcorp Genetics (formerly Invitae), Labcorp).